The following is an entry in ClinVar:

NM_177438.3(DICER1):c.932T>C (p.Val311Ala)

Gene: DICER1 (dicer 1, ribonuclease III; minus strand). Cytogenetic location: 14q32.13.
Variant type: single nucleotide variant.
Coding change: c.932T>C on transcript NM_177438.3 (MANE Select); coding-DNA position 932, T replaced by C.
Protein change: p.Val311Ala; replaces valine 311 with alanine.
Molecular consequence: missense variant.
Genome position (GRCh38, 1-based): chr14:95,124,640, A>G on the plus strand (T>C on the coding strand, the complement: DICER1 is on the minus strand). VCF-style: chr14-95124640-A-G. GRCh37 (hg19) VCF-style: chr14-95590977-A-G.
Other names: c.932T>C, p.Val311Ala (NM_001195573.1, NM_001271282.3, NM_001291628.2 and 1 more transcripts); short protein forms V311A.
Identifiers: ClinVar variation 648769 (VCV000648769.15), dbSNP rs1595440577, ClinGen allele CA390887344.
Genomic context (GRCh38, chr14:95,124,640, plus strand): 5'-TTCTGTAGTTCTCTTACCATCATTCCAGCTACTTTATCTGCACACCAGGGTCCCAGAACT[A>G]CCAATACGGCACGACAGTCTGATAGTATCTACAAAAAAAAGAAAAGAAAAAACCTAATGC-3'
Protein context (NP_803187.1, residues 301-321): QILSDCRAVL[Val311Ala]VLGPWCADKV

ClinVar aggregate classification (germline): Conflicting classifications of pathogenicity. Review status: criteria provided, conflicting classifications (1 of 4 stars). 2 submissions from 2 submitters: Uncertain significance (1); Likely benign (1). Last evaluated 2025-05-05.

Conditions:
DICER1-related tumor predisposition. Also called: DICER1-related pleuropulmonary blastoma cancer predisposition syndrome; DICER1 syndrome. Identifiers: Orphanet 284343, MedGen C3839822, MONDO:0100216.
Hereditary cancer-predisposing syndrome. Also called: Hereditary Cancer Syndrome; Tumor predisposition; Neoplastic Syndromes, Hereditary; Hereditary neoplastic syndrome. Identifiers: Orphanet 140162, MedGen C0027672, MeSH D009386, MONDO:0015356.

Submissions (2):

Ambry Genetics
Classification: Likely benign for Hereditary cancer-predisposing syndrome. Last evaluated: 2025-05-05. Review status: criteria provided, single submitter. Criteria: Ambry Variant Classification Scheme 2023. Collection method: clinical testing. Allele origin: germline.

Labcorp Genetics (formerly Invitae), Labcorp
Classification: Uncertain significance for DICER1-related tumor predisposition. Last evaluated: 2023-05-22. Review status: criteria provided, single submitter. Criteria: Invitae Variant Classification Sherloc (09022015). Collection method: clinical testing. Allele origin: germline.
Comment: RNA analysis performed to evaluate the impact of this missense change on mRNA splicing indicates it does not significantly alter splicing (Invitae). In summary, the available evidence is currently insufficient to determine the role of this variant in disease. Therefore, it has been classified as a Variant of Uncertain Significance. Advanced modeling of protein sequence and biophysical properties (such as structural, functional, and spatial information, amino acid conservation, physicochemical variation, residue mobility, and thermodynamic stability) performed at Invitae indicates that this missense variant is not expected to disrupt DICER1 protein function. This sequence change replaces valine, which is neutral and non-polar, with alanine, which is neutral and non-polar, at codon 311 of the DICER1 protein (p.Val311Ala). This variant is not present in population databases (gnomAD no frequency). This variant has not been reported in the literature in individuals affected with DICER1-related conditions. ClinVar contains an entry for this variant (Variation ID: 648769).